The following is an entry in ClinVar:

NM_152419.3(HGSNAT):c.402C>G (p.Asn134Lys)

Gene: HGSNAT (heparan-alpha-glucosaminide N-acetyltransferase; plus strand). Cytogenetic location: 8p11.21.
Variant type: single nucleotide variant.
Coding change: c.402C>G on transcript NM_152419.3 (MANE Select); coding-DNA position 402, C replaced by G.
Protein change: p.Asn134Lys; replaces asparagine 134 with lysine.
Molecular consequence: missense variant. On other transcripts: 5 prime UTR variant (1).
Genome position (GRCh38, 1-based): chr8:43,158,953, C>G. VCF-style: chr8-43158953-C-G. GRCh37 (hg19) VCF-style: chr8-43014096-C-G.
Other names: c.402C>G, p.Asn134Lys (NM_001363227.2, NM_001363228.2); c.-432C>G (NM_001363229.2); short protein forms N134K.
Identifiers: ClinVar variation 1487708 (VCV001487708.8), dbSNP rs2130715230, ClinGen allele CA371125392.

ClinVar aggregate classification (germline): Uncertain significance (1 of 4 stars; one submission).

Conditions:
Mucopolysaccharidosis, MPS-III-C (MPS3C). Also called: SANFILIPPO SYNDROME C; MPS III C; MPS IIIC (Sanfilippo Syndrome Type C); MUCOPOLYSACCHARIDOSIS, TYPE IIIC; Mucopolysaccharidosis type IIIC (Sanfilippo C); mucopolysaccharidosis type 3C. Identifiers: Orphanet 581, Orphanet 79271, MedGen C0086649, MONDO:0009657, OMIM 252930.
Retinitis pigmentosa 73 (RP73). Identifiers: Orphanet 791, MedGen C4225287, MONDO:0014687, OMIM 616544.

Submission:

Labcorp Genetics (formerly Invitae), Labcorp
Classification: Uncertain significance for Retinitis pigmentosa 73; Mucopolysaccharidosis, MPS-III-C. Last evaluated: 2022-06-27. Review status: criteria provided, single submitter. Criteria: Invitae Variant Classification Sherloc (09022015). Collection method: clinical testing. Allele origin: germline.
Comment: This sequence change replaces asparagine, which is neutral and polar, with lysine, which is basic and polar, at codon 134 of the HGSNAT protein (p.Asn134Lys). This variant is not present in population databases (gnomAD no frequency). This variant has not been reported in the literature in individuals affected with HGSNAT-related conditions. Advanced modeling of protein sequence and biophysical properties (such as structural, functional, and spatial information, amino acid conservation, physicochemical variation, residue mobility, and thermodynamic stability) performed at Invitae indicates that this missense variant is not expected to disrupt HGSNAT protein function. In summary, the available evidence is currently insufficient to determine the role of this variant in disease. Therefore, it has been classified as a Variant of Uncertain Significance.